The following is an entry in ClinVar:

NM_000168.6(GLI3):c.1596G>A (p.Met532Ile)

Gene: GLI3 (GLI family zinc finger 3; minus strand). Cytogenetic location: 7p14.1.
Variant type: single nucleotide variant.
Coding change: c.1596G>A on transcript NM_000168.6 (MANE Select); coding-DNA position 1596, G replaced by A.
Protein change: p.Met532Ile; replaces methionine 532 with isoleucine.
Molecular consequence: missense variant.
Genome position (GRCh38, 1-based): chr7:41,978,650, C>T on the plus strand (G>A on the coding strand, the complement: GLI3 is on the minus strand). VCF-style: chr7-41978650-C-T. GRCh37 (hg19) VCF-style: chr7-42018249-C-T.
Other names: short protein forms M532I.
Identifiers: ClinVar variation 1720978 (VCV001720978.5), dbSNP rs2484449944, ClinGen allele CA367325533.

ClinVar aggregate classification (germline): Uncertain significance (1 of 4 stars; one submission).

Conditions:
Greig cephalopolysyndactyly syndrome (GCPS). Also called: POLYSYNDACTYLY WITH PECULIAR SKULL SHAPE; Greig syndrome; GLI3-Related Greig Cephalopolysyndactyly Syndrome. Identifiers: Orphanet 380, MedGen C0265306, MONDO:0008287, OMIM 175700.
Pallister-Hall syndrome (PHS). Also called: HYPOTHALAMIC HAMARTOBLASTOMA, HYPOPITUITARISM, IMPERFORATE ANUS, AND POSTAXIAL POLYDACTYLY; GLI3-Related Pallister-Hall Syndrome. Identifiers: Orphanet 672, MedGen C0265220, MONDO:0007804, OMIM 146510.

Submission:

Labcorp Genetics (formerly Invitae), Labcorp
Classification: Uncertain significance for Pallister-Hall syndrome; Greig cephalopolysyndactyly syndrome. Last evaluated: 2022-10-04. Review status: criteria provided, single submitter. Criteria: Invitae Variant Classification Sherloc (09022015). Collection method: clinical testing. Allele origin: germline.
Comment: In summary, the available evidence is currently insufficient to determine the role of this variant in disease. Therefore, it has been classified as a Variant of Uncertain Significance. Advanced modeling of protein sequence and biophysical properties (such as structural, functional, and spatial information, amino acid conservation, physicochemical variation, residue mobility, and thermodynamic stability) performed at Invitae indicates that this missense variant is expected to disrupt GLI3 protein function. This variant has not been reported in the literature in individuals affected with GLI3-related conditions. This variant is not present in population databases (gnomAD no frequency). This sequence change replaces methionine, which is neutral and non-polar, with isoleucine, which is neutral and non-polar, at codon 532 of the GLI3 protein (p.Met532Ile).